The following is an entry in ClinVar:

NM_020435.4(GJC2):c.1254_1258delinsCG (p.Lys418_Arg420delinsAsnGly)

Gene: GJC2 (gap junction protein gamma 2; plus strand). Cytogenetic location: 1q42.13.
Variant type: Indel.
Coding change: c.1254_1258delinsCG on transcript NM_020435.4 (MANE Select); coding-DNA positions 1254 to 1258, GCCCA replaced by CG.
Protein change: p.Lys418_Arg420delinsAsnGly.
Molecular consequence: inframe indel.
Genome position (GRCh38, 1-based): chr1:228,159,012-228,159,016, GCCCA replaced by CG. VCF-style: chr1-228159012-GCCCA-CG. GRCh37 (hg19) VCF-style: chr1-228346713-GCCCA-CG.
Other names: c.1254_1258delGCCCAinsCG (NM_020435.3); c.1254_1258delinsCG (NM_020435.3).
Identifiers: ClinVar variation 441072 (VCV000441072.3), dbSNP rs1553262641, ClinGen allele CA658653744.
Genomic context (GRCh38, chr1:228,159,012, plus strand): 5'-CTCTGCGGGCACTGTCGGGGAGCAGGGCCGGCCCGGCACCCACGAGCGGCCAGGAGCCAA[GCCCA>CG]GGGCTGGCTCCGAGAAGGGCAGTGCCAGCAGCAGGGACGGGAAGACCACCGTGTGGATCT-3'

ClinVar aggregate classification (germline): Uncertain significance (1 of 4 stars; one submission).

Conditions:
Hereditary spastic paraplegia 44. Also called: SPASTIC PARAPLEGIA 44, AUTOSOMAL RECESSIVE. Identifiers: Orphanet 320401, MedGen C2750784, MONDO:0013179, OMIM 613206.

Submission:

GeneDx
Classification: Uncertain significance. Last evaluated: 2025-01-23. Review status: criteria provided, single submitter. Criteria: GeneDx Variant Classification Process June 2021. Collection method: clinical testing. Allele origin: germline. Affected: yes.
Comment: Not observed at significant frequency in large population cohorts (gnomAD); In-frame deletion of 2 amino acids and insertion of 1 different amino acid in a non-repeat region; In silico analysis indicates that this variant does not alter protein structure/function; Has not been previously published as pathogenic or benign to our knowledge